The following is an entry in ClinVar:

ClinVar aggregate classification (germline): Benign (0 of 4 stars; one submission).

Conditions:
DHPS-related disorder. Also called: DHPS-related condition.

Allele frequency attached by ClinVar (database versions not stated): ExAC 0.00012; gnomAD exomes 0.00132; gnomAD 0.00248; TOPMed 0.00515; 1000 Genomes Project 0.00579; 1000 Genomes Project 30x 0.00687.

Submission:

PreventionGenetics, part of Exact Sciences
Classification: Benign for DHPS-related condition. Last evaluated: 2019-12-03. Review status: no assertion criteria provided. Collection method: clinical testing. Allele origin: germline.
Comment: This variant is classified as benign based on ACMG/AMP sequence variant interpretation guidelines (Richards et al. 2015 PMID: 25741868, with internal and published modifications).

NM_001930.4(DHPS):c.207+462G>A

Gene: DHPS (deoxyhypusine synthase; minus strand). Cytogenetic location: 19p13.13.
Variant type: single nucleotide variant.
Coding change: c.207+462G>A on transcript NM_001930.4 (MANE Select); 462 bases into the intron after coding-DNA position 207, G replaced by A.
Molecular consequence: intron variant. On other transcripts: missense variant (1), non-coding transcript variant (1).
Genome position (GRCh38, 1-based): chr19:12,681,098, C>T on the plus strand (G>A on the coding strand, the complement: DHPS is on the minus strand). VCF-style: chr19-12681098-C-T. GRCh37 (hg19) VCF-style: chr19-12791912-C-T.
Other names: c.16G>A, p.Ala6Thr (NM_001206974.2); c.-308+462G>A (NM_001369693.1); c.207+462G>A (NM_001369692.1, NM_013406.3, NM_001369691.1); short protein forms A6T.
Identifiers: ClinVar variation 3055349 (VCV003055349.2), dbSNP rs545197342, ClinGen allele CA9227950.